The following is an entry in ClinVar:

NM_001003800.2(BICD2):c.1027T>G (p.Ser343Ala)

Gene: BICD2 (BICD cargo adaptor 2; minus strand). Cytogenetic location: 9q22.31.
Variant type: single nucleotide variant.
Coding change: c.1027T>G on transcript NM_001003800.2 (MANE Select); coding-DNA position 1027, T replaced by G.
Protein change: p.Ser343Ala; replaces serine 343 with alanine.
Molecular consequence: missense variant.
Genome position (GRCh38, 1-based): chr9:92,720,335, A>C on the plus strand (T>G on the coding strand, the complement: BICD2 is on the minus strand). VCF-style: chr9-92720335-A-C. GRCh37 (hg19) VCF-style: chr9-95482617-A-C.
Other names: c.1027T>G, p.Ser343Ala (NM_015250.4); short protein forms S343A.
Identifiers: ClinVar variation 1720350 (VCV001720350.6), dbSNP rs2490450822, ClinGen allele CA374042489.
Genomic context (GRCh38, chr9:92,720,335, plus strand): 5'-GCCGAAGGCCCCACTGCCTGCTCACCTGCATCAGCTGCTGCTTCAGCTTCTGGATCTCAG[A>C]GATGTTGAGCTCACTGAGTAGGTCGGAGACGAGGCTGGGGGAGGGCGGTGCGAGGCCCTC-3'
Protein context (NP_001003800.1, residues 333-353): VSDLLSELNI[Ser343Ala]EIQKLKQQLM

ClinVar aggregate classification (germline): Uncertain significance (1 of 4 stars; one submission).

Conditions:
Autosomal dominant childhood-onset proximal spinal muscular atrophy with contractures (SMALED2A). Also called: Spinal muscular atrophy, lower extremity-predominant, 2A, autosomal dominant; SPINAL MUSCULAR ATROPHY, LOWER EXTREMITY-PREDOMINANT, 2A, CHILDHOOD ONSET, AUTOSOMAL DOMINANT. Identifiers: Orphanet 363447, Orphanet 363454, MedGen C4747715, MONDO:0014121, OMIM 615290.

gnomAD v4.1: 1 of 1,612,872 alleles (0.000062%); no homozygotes.

Submission:

Labcorp Genetics (formerly Invitae), Labcorp
Classification: Uncertain significance for Autosomal dominant childhood-onset proximal spinal muscular atrophy with contractures. Last evaluated: 2022-09-25. Review status: criteria provided, single submitter. Criteria: Invitae Variant Classification Sherloc (09022015). Collection method: clinical testing. Allele origin: germline.
Comment: In summary, the available evidence is currently insufficient to determine the role of this variant in disease. Therefore, it has been classified as a Variant of Uncertain Significance. Advanced modeling of protein sequence and biophysical properties (such as structural, functional, and spatial information, amino acid conservation, physicochemical variation, residue mobility, and thermodynamic stability) performed at Invitae indicates that this missense variant is not expected to disrupt BICD2 protein function. This variant has not been reported in the literature in individuals affected with BICD2-related conditions. This variant is not present in population databases (gnomAD no frequency). This sequence change replaces serine, which is neutral and polar, with alanine, which is neutral and non-polar, at codon 343 of the BICD2 protein (p.Ser343Ala).